The following is an entry in ClinVar:

NM_018263.6(ASXL2):c.1234A>G (p.Met412Val)

Gene: ASXL2 (ASXL transcriptional regulator 2; minus strand). Cytogenetic location: 2p23.3.
Variant type: single nucleotide variant.
Coding change: c.1234A>G on transcript NM_018263.6 (MANE Select); coding-DNA position 1234, A replaced by G.
Protein change: p.Met412Val; replaces methionine 412 with valine.
Molecular consequence: missense variant.
Genome position (GRCh38, 1-based): chr2:25,750,322, T>C on the plus strand (A>G on the coding strand, the complement: ASXL2 is on the minus strand). VCF-style: chr2-25750322-T-C. GRCh37 (hg19) VCF-style: chr2-25973191-T-C.
Other names: c.1060A>G, p.Met354Val (NM_001369346.1); c.454A>G, p.Met152Val (NM_001369347.1); short protein forms M152V, M354V, M412V.
Identifiers: ClinVar variation 2650736 (VCV002650736.24), dbSNP rs771972886, ClinGen allele CA43704843.

ClinVar aggregate classification (germline): Likely benign (1 of 4 stars; one submission).

Allele frequency attached by ClinVar (database versions not stated): gnomAD 0.00006; TOPMed 0.00006; gnomAD exomes 0.00011.
gnomAD v4.1: 180 of 1,613,912 alleles (0.011%); highest among the groups gnomAD compares: Non-Finnish European, 0.014%; no homozygotes.

Submission:

CeGaT Center for Human Genetics Tuebingen
Classification: Likely benign. Last evaluated: 2022-04-01. Review status: criteria provided, single submitter. Criteria: CeGaT Center For Human Genetics Tuebingen Variant Classification Criteria Version 2. Collection method: clinical testing. Allele origin: germline. Affected: yes. Observed: 1 variant allele.
Comment: ASXL2: BP4